The following is an entry in ClinVar:

ClinVar aggregate classification (germline): Likely pathogenic (1 of 4 stars; one submission).

Conditions:
Hypochondroplasia (HCH). Identifiers: Orphanet 429, MedGen C0410529, MONDO:0007793, OMIM 146000. Disease mechanism: gain of function.

Submission:

Genomenon, Inc
Classification: Likely pathogenic for Hypochondroplasia. Last evaluated: 2026-06-23. Review status: criteria provided, single submitter. Criteria: Genomenon Sequence Variant Interpretation Standards - Updated. Collection method: curation. Allele origin: germline. Affected: yes.
Comment: FGFR3 p.Val381Glu (c.1142T>A) is a missense variant that changes the amino acid at codon 381 from Valine to Glutamic acid. This variant has been observed in at least one proband with hypochondroplasia (PMID:16912704). A de novo occurrence of this variant has been observed in at least one affected individual (PMID:16912704). It is absent or not present at a significant frequency in gnomAD. In silico models predict that this variant is possibly or probably damaging. In conclusion, we classify FGFR3 p.Val381Glu (c.1142T>A) as a likely pathogenic variant.

Literature cited by the submitters: PubMed 19165726; PubMed 16912704; PubMed 30048571; PubMed 29542187; PubMed 25728633; PubMed 34162030; PubMed 30681580; PubMed 29736252; PubMed 29080836; PubMed 22302603; PubMed 24411048; PubMed 15863034; PubMed 21536014.

NM_000142.5(FGFR3):c.1142T>A (p.Val381Glu)

Gene: FGFR3 (fibroblast growth factor receptor 3; plus strand). Cytogenetic location: 4p16.3.
Variant type: single nucleotide variant.
Coding change: c.1142T>A on transcript NM_000142.5 (MANE Select); coding-DNA position 1142, T replaced by A.
Protein change: p.Val381Glu; replaces valine 381 with glutamic acid.
Molecular consequence: missense variant. On other transcripts: non-coding transcript variant (1), intron variant (1).
Genome position (GRCh38, 1-based): chr4:1,804,396, T>A. VCF-style: chr4-1804396-T-A. GRCh37 (hg19) VCF-style: chr4-1806123-T-A.
Other names: c.1148T>A, p.Val383Glu (NM_001163213.2); c.1142T>A, p.Val381Glu (NM_001354809.2, NM_001354810.2); c.931-428T>A (NM_022965.4); short protein forms V381E, V383E.
Identifiers: ClinVar variation 4857846 (VCV004857846.1), dbSNP rs587778776.